The following is an entry in ClinVar:

NM_172351.3(CD46):c.350_351dup (p.Glu118fs)

Gene: CD46 (CD46 molecule; plus strand). Cytogenetic location: 1q32.2.
Variant type: Duplication.
Coding change: c.350_351dup on transcript NM_172351.3 (MANE Select); coding-DNA positions 350 to 351, 2 bases duplicated (AC; older notation c.350_351dupAC).
Protein change: p.Glu118fs; shifts the reading frame from glutamic acid 118.
Molecular consequence: frameshift variant.
Genome position (GRCh38, 1-based): chr1:207,757,603-207,757,604, AC duplicated. VCF-style (leftmost placement, unchanged base first): chr1-207757602-T-TAC. GRCh37 (hg19) VCF-style: chr1-207930947-T-TAC.
Other names: CD46 c.350_351dup (p.Glu118Thrfs*17); c.350_351dup (NM_172359.2); c.350_351dup, p.Glu118fs (NM_002389.4, NM_153826.4, NM_172350.3 and 8 more transcripts); short protein forms E118fs.
Identifiers: ClinVar variation 1333461 (VCV001333461.4), dbSNP rs2102541856, ClinGen allele CA2573051470.

ClinVar aggregate classification (germline): Pathogenic/Likely pathogenic. Review status: criteria provided, multiple submitters, no conflicts (2 of 4 stars). 4 submissions from 4 submitters: Pathogenic (3); Likely pathogenic (1). Last evaluated 2025-10-02.

Conditions:
Atypical hemolytic-uremic syndrome with MCP/CD46 anomaly. Also called: HEMOLYTIC UREMIC SYNDROME, ATYPICAL, SUSCEPTIBILITY TO, 2; AHUS, SUSCEPTIBILITY TO, 2. Identifiers: Orphanet 2134, MedGen C2752040, MONDO:0013040, OMIM 612922.
Atypical hemolytic-uremic syndrome. Identifiers: Orphanet 2134, MedGen C2931788, MONDO:0016244.

Submissions (4):

Genomenon, Inc
Classification: Pathogenic for Atypical hemolytic-uremic syndrome. Last evaluated: 2025-10-02. Review status: criteria provided, single submitter. Criteria: Genomenon Sequence Variant Interpretation Standards. Collection method: curation. Allele origin: germline. Affected: yes.
Comment: CD46 p.Glu118ThrfsTer17 (c.350_351dup) is a frameshift variant that results in the production of a truncated protein which is predicted to undergo nonsense-mediated mRNA decay. This variant has been observed in at least one proband affected with atypical hemolytic-uremic syndrome (PMID:35619721;33238263). It is absent or not present at a significant frequency in gnomAD. In conclusion, we classify CD46 p.Glu118ThrfsTer17 (c.350_351dup) as a pathogenic variant.

Genomic Medicine Center of Excellence, King Faisal Specialist Hospital and Research Centre
Classification: Pathogenic for Atypical hemolytic-uremic syndrome with MCP/CD46 anomaly. Last evaluated: 2024-03-26. Review status: criteria provided, single submitter. Criteria: ACMG Guidelines, 2015. Collection method: clinical testing. Allele origin: germline.

3billion
Classification: Pathogenic for Atypical hemolytic-uremic syndrome with MCP/CD46 anomaly. Last evaluated: 2022-01-03. Review status: criteria provided, single submitter. Criteria: ACMG Guidelines, 2015. Collection method: clinical testing. Allele origin: germline. Affected: yes. Observed: 1 homozygote.
Comment: Frameshift: predicted to result in a loss or disruption of normal protein function through nonsense-mediated decay (NMD) or protein truncation. Multiple pathogenic variants are reported downstream of the variant (PVS1_VS). The variant has been reported to be associated with CD46 related disorder (PMID:33238263). It is not observed in the gnomAD v2.1.1 dataset (PM2_M). Therefore, this variant is classified as pathogenic according to the recommendation of ACMG/AMP guideline.

Nephrology Department, Prince Sultan Military Medical City
Classification: Likely pathogenic for Atypical hemolytic-uremic syndrome with MCP/CD46 anomaly. Last evaluated: 2019-04-05. Review status: criteria provided, single submitter. Criteria: ACMG Guidelines, 2015. Collection method: provider interpretation. Allele origin: inherited. Inheritance: Autosomal recessive inheritance. Affected: yes. Observed: 1 variant allele, 1 homozygote.
Comment: Frameshift variant in CD46 (c.350_351dup; p.Glu118Thrfs*17) confirmed by Sanger sequencing. Classified as likely pathogenic (ACMG class 2). Loss of function is a known disease mechanism in atypical hemolytic uremic syndrome.

Literature cited by the submitters: PubMed 33238263 (cited by Genomenon, Inc and 3billion).